The following is an entry in ClinVar:

ClinVar aggregate classification (germline): Uncertain significance (1 of 4 stars; one submission).

Conditions:
Severe combined immunodeficiency due to DNA-PKcs deficiency. Also called: IMMUNODEFICIENCY 26 WITH NEUROLOGIC ABNORMALITIES; Immunodeficiency 26 with or without neurologic abnormalities. Identifiers: Orphanet 317425, MedGen C4014833, MONDO:0014423, OMIM 615966.

Allele frequency attached by ClinVar (database versions not stated): gnomAD exomes 0.00001.
gnomAD v4.1: 14 of 1,605,200 alleles (0.00087%); highest among the groups gnomAD compares: Middle Eastern, 0.05%; no homozygotes.

Submission:

Labcorp Genetics (formerly Invitae), Labcorp
Classification: Uncertain significance for Severe combined immunodeficiency due to DNA-PKcs deficiency. Last evaluated: 2021-04-23. Review status: criteria provided, single submitter. Criteria: Invitae Variant Classification Sherloc (09022015). Collection method: clinical testing. Allele origin: germline.
Comment: This sequence change falls in intron 56 of the PRKDC gene. It does not directly change the encoded amino acid sequence of the PRKDC protein. It affects a nucleotide within the consensus splice site of the intron. This variant is not present in population databases (ExAC no frequency). This variant has not been reported in the literature in individuals with PRKDC-related conditions. Nucleotide substitutions within the consensus splice site are a relatively common cause of aberrant splicing (PMID: 17576681, 9536098). Experimental studies and prediction algorithms are not available or were not evaluated, and the effect of this variant on mRNA splicing is currently unknown. In summary, the available evidence is currently insufficient to determine the role of this variant in disease. Therefore, it has been classified as a Variant of Uncertain Significance.

Literature cited by the submitters: PubMed 17576681; PubMed 9536098.

NM_006904.7(PRKDC):c.7553+4C>T

Gene: PRKDC (protein kinase, DNA-activated, catalytic subunit; minus strand). Cytogenetic location: 8q11.21.
Variant type: single nucleotide variant.
Coding change: c.7553+4C>T on transcript NM_006904.7 (MANE Select); 4 bases into the intron after coding-DNA position 7553, C replaced by T.
Molecular consequence: intron variant.
Genome position (GRCh38, 1-based): chr8:47,839,144, G>A on the plus strand (C>T on the coding strand, the complement: PRKDC is on the minus strand). VCF-style: chr8-47839144-G-A. GRCh37 (hg19) VCF-style: chr8-48751705-G-A.
Other names: c.7553+4C>T (NM_001081640.2).
Identifiers: ClinVar variation 1447073 (VCV001447073.3), dbSNP rs866748025, ClinGen allele CA176156845.